The following is an entry in ClinVar:

ClinVar aggregate classification (germline): Uncertain significance. Review status: criteria provided, multiple submitters, no conflicts (2 of 4 stars). 2 submissions from 2 submitters: Uncertain significance (2). Last evaluated 2022-08-11.

Allele frequency attached by ClinVar (database versions not stated): gnomAD exomes below 0.00001; TOPMed below 0.00001; gnomAD 0.00001.
gnomAD v4.1: 6 of 1,614,010 alleles (0.00037%); highest among the groups gnomAD compares: Non-Finnish European, 0.00042%; no homozygotes.

Submissions (2):

Ambry Genetics
Classification: Uncertain significance. Last evaluated: 2022-08-11. Review status: criteria provided, single submitter. Criteria: Ambry Variant Classification Scheme 2023. Collection method: clinical testing. Allele origin: germline.

Labcorp Genetics (formerly Invitae), Labcorp
Classification: Uncertain significance. Last evaluated: 2022-05-13. Review status: criteria provided, single submitter. Criteria: Invitae Variant Classification Sherloc (09022015). Collection method: clinical testing. Allele origin: germline.
Comment: In summary, the available evidence is currently insufficient to determine the role of this variant in disease. Therefore, it has been classified as a Variant of Uncertain Significance. Algorithms developed to predict the effect of missense changes on protein structure and function (SIFT, PolyPhen-2, Align-GVGD) all suggest that this variant is likely to be tolerated. ClinVar contains an entry for this variant (Variation ID: 937021). This variant has not been reported in the literature in individuals affected with IDH3A-related conditions. This variant is not present in population databases (gnomAD no frequency). This sequence change replaces alanine, which is neutral and non-polar, with valine, which is neutral and non-polar, at codon 197 of the IDH3A protein (p.Ala197Val).

NM_005530.3(IDH3A):c.590C>T (p.Ala197Val)

Gene: IDH3A (isocitrate dehydrogenase (NAD(+)) 3 catalytic subunit alpha; plus strand). Cytogenetic location: 15q25.1.
Variant type: single nucleotide variant.
Coding change: c.590C>T on transcript NM_005530.3 (MANE Select); coding-DNA position 590, C replaced by T.
Protein change: p.Ala197Val; replaces alanine 197 with valine.
Molecular consequence: missense variant.
Genome position (GRCh38, 1-based): chr15:78,162,346, C>T. VCF-style: chr15-78162346-C-T. GRCh37 (hg19) VCF-style: chr15-78454688-C-T.
Other names: short protein forms A197V.
Identifiers: ClinVar variation 937021 (VCV000937021.10), dbSNP rs1447271469, ClinGen allele CA393543473.